The following is an entry in ClinVar:

ClinVar aggregate classification (germline): Pathogenic. Review status: criteria provided, single submitter (1 of 4 stars). 2 submissions from 2 submitters: Pathogenic (1). 1 of the submissions does not count toward it.

Conditions:
Polycystic kidney disease, adult type (PKD1). Also called: POLYCYSTIC KIDNEY DISEASE, ADULT, TYPE I; Polycystic Kidney, Autosomal Dominant; POLYCYSTIC KIDNEY DISEASE 1 WITH OR WITHOUT POLYCYSTIC LIVER DISEASE; Polycystic Kidney Disease 1, Autosomal Dominant; Polycystic kidney disease 1; Polycystic kidney disease 1, severe. Identifiers: MedGen C3149841, MONDO:0008263, OMIM 173900.

Submissions (2):

Juno Genomics, Hangzhou Juno Genomics, Inc
Classification: Pathogenic for Polycystic kidney disease, adult type. Review status: criteria provided, single submitter. Criteria: ACMG Guidelines, 2015. Collection method: clinical testing. Allele origin: germline. Affected: yes.
Comment: Absent from controls (or at extremely low frequency if recessive) in Genome Aggregation Database.;Null variant in a gene where loss of function (LOF) is a known mechanism of disease.;The prevalence of the variant in affected individuals is significantly increased compared to the prevalence in controls.;Patient's phenotype or family history is highly specific for a disease with a single genetic etiology.

Institute of Human Genetics, Cologne University
Classification: Pathogenic for Polycystic kidney disease, adult type. Review status: no assertion criteria provided. Collection method: clinical testing. Allele origin: unknown. Inheritance: Autosomal dominant inheritance. Affected: yes. Observed: 1 variant allele, 1 heterozygote. Not counted in ClinVar's aggregate classification.

NM_001009944.3(PKD1):c.10220+2_10220+3del

Gene: PKD1 (polycystin 1, transient receptor potential channel interacting; minus strand). Cytogenetic location: 16p13.3.
Variant type: Deletion.
Coding change: c.10220+2_10220+3del on transcript NM_001009944.3 (MANE Select); the canonical splice donor site of the intron after coding-DNA position 10220 through 3 bases into the intron after coding-DNA position 10220, 2 bases deleted (TG; older notation c.10220+2_10220+3delTG).
Molecular consequence: splice donor variant.
Genome position (GRCh38, 1-based): chr16:2,097,725-2,097,726, CA deleted on the plus strand (TG on the coding strand, the reverse complement: PKD1 is on the minus strand); deleting any 2 consecutive bases within chr16:2,097,725-2,097,727 gives the same sequence; the c. name uses the placement nearest the transcript's 3' end. VCF-style (leftmost placement, unchanged base first): chr16-2097724-CCA-C. GRCh37 (hg19) VCF-style: chr16-2147725-CCA-C.
Other names: c.10217+2_10217+3del (NM_000296.4); c.10220+2_10220+3delTG (NM_001009944.2).
Identifiers: ClinVar variation 427741 (VCV000427741.2), dbSNP rs1114167366, ClinGen allele CA645294083.